The following is an entry in ClinVar:

ClinVar aggregate classification (germline): Pathogenic. Review status: criteria provided, multiple submitters, no conflicts (2 of 4 stars). 5 submissions from 5 submitters: Pathogenic (5). Last evaluated 2025-03-13.

Conditions:
Neurofibromatosis, type 1 (NF1). Also called: Neurofibromatosis, type I; Peripheral type neurofibromatosis; VON RECKLINGHAUSEN DISEASE; NEUROFIBROMATOSIS, TYPE I, SOMATIC. Identifiers: Orphanet 636, MedGen C0027831, MONDO:0018975, OMIM 162200. Disease mechanism: loss of function.
NF1-related disorder. Also called: NF1-related condition. Identifiers: MedGen CN379171.
Hereditary cancer-predisposing syndrome. Also called: Hereditary neoplastic syndrome; Neoplastic Syndromes, Hereditary; Tumor predisposition; Hereditary Cancer Syndrome. Identifiers: Orphanet 140162, MedGen C0027672, MeSH D009386, MONDO:0015356.
Cardiovascular phenotype. Identifiers: MedGen CN230736.

Allele frequency attached by ClinVar (database versions not stated): gnomAD exomes below 0.00001.

Submissions (6):

GeneDx
Classification: Pathogenic. Last evaluated: 2025-03-13. Review status: criteria provided, single submitter. Criteria: GeneDx Variant Classification Process June 2021. Collection method: clinical testing. Allele origin: germline. Affected: yes.
Comment: Canonical splice site variant predicted to result in a null allele in a gene for which loss of function is a known mechanism of disease; This variant is associated with the following publications: (PMID: 23913538, 10712197, 29625052, 26689913, 36451132, 31766501)

Ambry Genetics
Classification: Pathogenic for Cardiovascular phenotype; Hereditary cancer-predisposing syndrome. Last evaluated: 2024-10-07. Review status: criteria provided, single submitter. Criteria: Ambry Variant Classification Scheme 2023. Collection method: clinical testing. Allele origin: germline.
Comment: The c.586+1G>T intronic variant results from a G to T substitution one nucleotide after coding exon 5 of the NF1 gene. Alterations that disrupt the canonical splice site are expected to cause aberrant splicing, resulting in an abnormal protein or a transcript that is subject to nonsense-mediated mRNA decay. Based on data from gnomAD, the T allele has an overall frequency of <0.001% (1/249988) total alleles studied. The highest observed frequency was 0.001% (1/113098) of European (non-Finnish) alleles. This variant was reported in an individual with neurofibromatosis type 1 (Melloni, 2019). Another pathogenic alteration impacting the same donor site (c.586+1G>A) has been reported in individuals with neurofibromatosis type 1 (Fahsold, 2000; Sabbagh, 2013). This nucleotide position is highly conserved in available vertebrate species. In silico splice site analysis predicts that this alteration will weaken the native splice donor site. Based on the available evidence, this alteration is classified as pathogenic.

Labcorp Genetics (formerly Invitae), Labcorp
Classification: Pathogenic for Neurofibromatosis, type 1. Last evaluated: 2024-07-11. Review status: criteria provided, single submitter. Criteria: Invitae Variant Classification Sherloc (09022015). Collection method: clinical testing. Allele origin: germline.
Comment: This sequence change affects a donor splice site in intron 5 of the NF1 gene. It is expected to disrupt RNA splicing. Variants that disrupt the donor or acceptor splice site typically lead to a loss of protein function (PMID: 16199547), and loss-of-function variants in NF1 are known to be pathogenic (PMID: 10712197, 23913538). This variant is not present in population databases (gnomAD no frequency). Disruption of this splice site has been observed in individuals with neurofibromatosis type 1 (PMID: 10712197, 31766501). ClinVar contains an entry for this variant (Variation ID: 1076152). Algorithms developed to predict the effect of sequence changes on RNA splicing suggest that this variant may disrupt the consensus splice site. For these reasons, this variant has been classified as Pathogenic.

Dasa
Classification: Pathogenic. Last evaluated: 2024-05-09. Review status: criteria provided, single submitter. Criteria: DASA Assertion Criteria. Collection method: clinical testing. Allele origin: germline.
Comment: NM_001042492.3(NF1):c.586+1G>T affects a canonical splice site and is predicted to disrupt normal RNA splicing, leading to loss of normal protein function. Loss-of-function is an established mechanism of disease for this gene. This variant has been reported in individuals with related phenotype (PMID: 31766501). Multiple computational predictions support a deleterious effect on the gene or gene product. Based on the available data, this variant is classified as pathogenic.

PreventionGenetics, part of Exact Sciences
Classification: Pathogenic for NF1-related condition. Last evaluated: 2023-08-15. Review status: criteria provided, single submitter. Criteria: ACMG Guidelines, 2015. Collection method: clinical testing. Allele origin: germline.
Comment: The NF1 c.586+1G>T variant is predicted to disrupt the GT donor site and interfere with normal splicing. This variant was reported in an individual with neurofibromatosis 1 (Melloni et al. 2019. PubMed ID: 31766501). This variant was also documented as a germline variant in at least one individual with lung adenocarcinoma (Supplementary data 2, Lu et al. 2015. PubMed ID: 26689913; Table S2A, Huang et al. 2018. PubMed ID: 29625052). This variant is reported in 0.00088% of alleles in individuals of European (Non-Finnish) descent in gnomAD. Variants that disrupt the consensus splice donor site in NF1 are expected to be pathogenic. This variant is interpreted as pathogenic.

Dr. Peter K. Rogan Lab, Western University
No classification provided (evidence only). Condition: Lung cancer. Review status: no classification provided. Collection method: in vitro. Allele origin: not applicable. Functional consequence: skipped exon. Not counted in ClinVar's aggregate classification.

Literature cited by the submitters: PubMed 10712197 (cited by Ambry Genetics and Labcorp Genetics (formerly Invitae), Labcorp); PubMed 23913538 (cited by Ambry Genetics and Labcorp Genetics (formerly Invitae), Labcorp); PubMed 31766501 (cited by 3 submitters); PubMed 16199547 (cited by Labcorp Genetics (formerly Invitae), Labcorp).

NM_001042492.3(NF1):c.586+1G>T

Gene: NF1 (neurofibromin 1; plus strand). Cytogenetic location: 17q11.2.
Variant type: single nucleotide variant.
Coding change: c.586+1G>T on transcript NM_001042492.3 (MANE Select); the canonical splice donor site of the intron after coding-DNA position 586, G replaced by T.
Molecular consequence: splice donor variant.
Genome position (GRCh38, 1-based): chr17:31,169,998, G>T. VCF-style: chr17-31169998-G-T. GRCh37 (hg19) VCF-style: chr17-29497016-G-T.
Other names: c.586+1G>T (NM_000267.3, NM_000267.4, NM_001128147.3).
Identifiers: ClinVar variation 1076152 (VCV001076152.9), dbSNP rs1555607126, ClinGen allele CA398985545.